The following is an entry in ClinVar:

NM_005430.4(WNT1):c.673G>A (p.Gly225Ser)

Gene: WNT1 (Wnt family member 1; plus strand). Cytogenetic location: 12q13.12.
Variant type: single nucleotide variant.
Coding change: c.673G>A on transcript NM_005430.4 (MANE Select); coding-DNA position 673, G replaced by A.
Protein change: p.Gly225Ser; replaces glycine 225 with serine.
Molecular consequence: missense variant.
Genome position (GRCh38, 1-based): chr12:48,981,200, G>A. VCF-style: chr12-48981200-G-A. GRCh37 (hg19) VCF-style: chr12-49374983-G-A.
Other names: short protein forms G225S.
Identifiers: ClinVar variation 1305471 (VCV001305471.2), dbSNP rs936719027, ClinGen allele CA236608708.

ClinVar aggregate classification (germline): Uncertain significance (1 of 4 stars; one submission).

Allele frequency attached by ClinVar (database versions not stated): gnomAD exomes below 0.00001; gnomAD 0.00001; TOPMed 0.00002.

Submission:

GeneDx
Classification: Uncertain significance. Last evaluated: 2019-04-26. Review status: criteria provided, single submitter. Criteria: GeneDx Variant Classification Process June 2021. Collection method: clinical testing. Allele origin: germline. Affected: yes.
Comment: Not observed in large population cohorts (Lek et al., 2016); In silico analysis, which includes protein predictors and evolutionary conservation, supports a deleterious effect; Has not been previously published as pathogenic or benign to our knowledge